The following is an entry in ClinVar:

NM_002332.3(LRP1):c.289G>A (p.Asp97Asn)

Gene: LRP1 (LDL receptor related protein 1; plus strand). Cytogenetic location: 12q13.3.
Variant type: single nucleotide variant.
Coding change: c.289G>A on transcript NM_002332.3 (MANE Select); coding-DNA position 289, G replaced by A.
Protein change: p.Asp97Asn; replaces aspartic acid 97 with asparagine.
Molecular consequence: missense variant.
Genome position (GRCh38, 1-based): chr12:57,141,472, G>A. VCF-style: chr12-57141472-G-A. GRCh37 (hg19) VCF-style: chr12-57535255-G-A.
Other names: short protein forms D97N.
Identifiers: ClinVar variation 4976657 (VCV004976657.1).
Genomic context (GRCh38, chr12:57,141,472, plus strand): 5'-CATAACTGCCTGGGTACTGAGCTGTGTGTTCCCATGTCCCGCCTCTGCAATGGGGTCCAG[G>A]ACTGCATGGACGGCTCAGATGAGGGGCCCCACTGCCGAGGTAAGGACTTTTCCACTCTCT-3'
Protein context (NP_002323.2, residues 87-107): PMSRLCNGVQ[Asp97Asn]CMDGSDEGPH

ClinVar aggregate classification (germline): Uncertain significance (1 of 4 stars; one submission).

gnomAD v4.1: 2 of 1,614,176 alleles (0.00012%); highest among the groups gnomAD compares: South Asian, 0.0011%; no homozygotes.

Submission:

GeneDx
Classification: Uncertain significance. Last evaluated: 2023-09-11. Review status: criteria provided, single submitter. Criteria: GeneDx Variant Classification Process June 2021. Collection method: clinical testing. Allele origin: germline.
Comment: Not observed at significant frequency in large population cohorts (gnomAD); In silico analysis supports that this missense variant has a deleterious effect on protein structure/function; Has not been previously published as pathogenic or benign to our knowledge; Variants in candidate genes are classified as variants of uncertain significance in accordance with ACMG guidelines (Richards et al., 2015)